The following is an entry in ClinVar:

ClinVar aggregate classification (germline): Uncertain significance (1 of 4 stars; one submission).

Conditions:
Hereditary cancer-predisposing syndrome. Also called: Hereditary neoplastic syndrome; Hereditary Cancer Syndrome; Tumor predisposition; Neoplastic Syndromes, Hereditary. Identifiers: Orphanet 140162, MedGen C0027672, MeSH D009386, MONDO:0015356.

Submission:

Labcorp Genetics (formerly Invitae), Labcorp
Classification: Uncertain significance for Hereditary cancer-predisposing syndrome. Last evaluated: 2022-05-03. Review status: criteria provided, single submitter. Criteria: Invitae Variant Classification Sherloc (09022015). Collection method: clinical testing. Allele origin: germline.
Comment: In summary, the available evidence is currently insufficient to determine the role of this variant in disease. Therefore, it has been classified as a Variant of Uncertain Significance. Algorithms developed to predict the effect of missense changes on protein structure and function output the following: SIFT: "Tolerated"; PolyPhen-2: "Benign"; Align-GVGD: "Class C0". The isoleucine amino acid residue is found in multiple mammalian species, which suggests that this missense change does not adversely affect protein function. This variant has not been reported in the literature in individuals affected with RAD50-related conditions. This variant is not present in population databases (gnomAD no frequency). This sequence change replaces threonine, which is neutral and polar, with isoleucine, which is neutral and non-polar, at codon 517 of the RAD50 protein (p.Thr517Ile).

NM_005732.4(RAD50):c.1550C>T (p.Thr517Ile)

Gene: RAD50 (RAD50 double strand break repair protein; plus strand). Cytogenetic location: 5q31.1.
Variant type: single nucleotide variant.
Coding change: c.1550C>T on transcript NM_005732.4 (MANE Select); coding-DNA position 1550, C replaced by T.
Protein change: p.Thr517Ile; replaces threonine 517 with isoleucine.
Molecular consequence: missense variant.
Genome position (GRCh38, 1-based): chr5:132,591,321, C>T. VCF-style: chr5-132591321-C-T. GRCh37 (hg19) VCF-style: chr5-131927013-C-T.
Other names: short protein forms T517I.
Identifiers: ClinVar variation 2132868 (VCV002132868.4), dbSNP rs2149842236, ClinGen allele CA360945859.